The following is an entry in ClinVar:

ClinVar aggregate classification (germline): Uncertain significance. Review status: criteria provided, multiple submitters, no conflicts (2 of 4 stars). 2 submissions from 2 submitters: Uncertain significance (2). Last evaluated 2024-07-15.

Allele frequency attached by ClinVar (database versions not stated): gnomAD exomes 0.00001; ExAC 0.00002.

Submissions (2):

Women's Health and Genetics/Laboratory Corporation of America, LabCorp
Classification: Uncertain significance. Last evaluated: 2024-07-15. Review status: criteria provided, single submitter. Criteria: LabCorp Variant Classification Summary - May 2015. Collection method: clinical testing. Allele origin: germline.
Comment: Variant summary: GALT c.539G>A (p.Cys180Tyr) results in a non-conservative amino acid change located in the Galactose-1-phosphate uridyl transferase, N-terminal domain (IPR005849) of the encoded protein sequence. Five of five in-silico tools predict a damaging effect of the variant on protein function. The variant allele was found at a frequency of 8e-06 in 251492 control chromosomes. The available data on variant occurrences in the general population are insufficient to allow any conclusion about variant significance. To our knowledge, no occurrence of c.539G>A in individuals affected with Galactosemia and no experimental evidence demonstrating its impact on protein function have been reported. ClinVar contains an entry for this variant (Variation ID: 198049). Based on the evidence outlined above, the variant was classified as uncertain significance.

Eurofins Ntd Llc (ga)
Classification: Uncertain significance. Last evaluated: 2015-09-25. Review status: criteria provided, single submitter. Criteria: EGL Classification Definitions 2015. Collection method: clinical testing. Allele origin: germline. Observed: 1 variant allele, 1 heterozygote.

NM_000155.4(GALT):c.539G>A (p.Cys180Tyr)

Gene: GALT (galactose-1-phosphate uridylyltransferase; plus strand). Cytogenetic location: 9p13.3.
Variant type: single nucleotide variant.
Coding change: c.539G>A on transcript NM_000155.4 (MANE Select); coding-DNA position 539, G replaced by A.
Protein change: p.Cys180Tyr; replaces cysteine 180 with tyrosine.
Molecular consequence: missense variant.
Genome position (GRCh38, 1-based): chr9:34,648,146, G>A. VCF-style: chr9-34648146-G-A. GRCh37 (hg19) VCF-style: chr9-34648143-G-A.
Other names: c.212G>A, p.Cys71Tyr (NM_001258332.2); short protein forms C180Y, C71Y.
Identifiers: ClinVar variation 198049 (VCV000198049.6), dbSNP rs111033844, ClinGen allele CA246539.